The following is an entry in ClinVar:

NM_001384732.1(CPLANE1):c.3056_3059dup (p.Trp1020fs)

Gene: CPLANE1 (ciliogenesis and planar polarity effector complex subunit 1; minus strand). Cytogenetic location: 5p13.2.
Variant type: Microsatellite.
Coding change: c.3056_3059dup on transcript NM_001384732.1 (MANE Select); coding-DNA positions 3056 to 3059, 4 bases duplicated (TGTG; older notation c.3056_3059dupTGTG).
Protein change: p.Trp1020fs; shifts the reading frame from tryptophan 1020.
Molecular consequence: frameshift variant.
Genome position (GRCh38, 1-based): chr5:37,206,287-37,206,290, CACA duplicated on the plus strand (TGTG on the coding strand, the reverse complement: CPLANE1 is on the minus strand); duplicating any 4 consecutive bases within chr5:37,206,287-37,206,292 gives the same sequence; the c. name uses the placement nearest the transcript's 3' end. VCF-style (leftmost placement, unchanged base first): chr5-37206286-C-CCACA. GRCh37 (hg19) VCF-style: chr5-37206388-C-CCACA.
Other names: c.3056_3059dup, p.Trp1020fs (NM_023073.4); short protein forms W1020fs.
Identifiers: ClinVar variation 1723410 (VCV001723410.3), dbSNP rs769934551, ClinGen allele CA3238999.

ClinVar aggregate classification (germline): Pathogenic/Likely pathogenic. Review status: criteria provided, multiple submitters, no conflicts (2 of 4 stars). 3 submissions from 3 submitters: Pathogenic (2); Likely pathogenic (1). Last evaluated 2025-09-16.

Conditions:
Joubert syndrome 17 (JBTS17). Identifiers: Orphanet 475, MedGen C3553264, MONDO:0013824, OMIM 614615.
Orofaciodigital syndrome type 6 (OFD6). Also called: OROFACIODIGITAL SYNDROME VI; OFDS VI; POLYDACTYLY, CLEFT LIP/PALATE OR LINGUAL LUMP, AND PSYCHOMOTOR RETARDATION; VARADI SYNDROME; VARADI-PAPP SYNDROME; Oral-facial-digital syndrome type 6. Identifiers: Orphanet 2754, MedGen C2745997, MONDO:0010176, OMIM 277170.
Joubert syndrome and related disorders. Identifiers: Orphanet 140874, MedGen C5679612, MONDO:0015369.

Submissions (3):

First Genomix Gene Laboratory, Genetic Diagnostics Department
Classification: Pathogenic for Joubert syndrome 17; Orofaciodigital syndrome type 6. Last evaluated: 2025-09-16. Review status: criteria provided, single submitter. Criteria: ACMG Guidelines, 2015. Collection method: clinical testing. Allele origin: germline. Inheritance: Autosomal recessive inheritance. Affected: no. Observed: 1 variant allele.

Department of Paediatric Medicine, Post Graduation Institute of Medical Education and Research
Classification: Pathogenic for Joubert syndrome 17. Last evaluated: 2023-03-07. Review status: criteria provided, single submitter. Criteria: ACMG Guidelines, 2015. Collection method: clinical testing. Allele origin: inherited. Inheritance: Autosomal recessive inheritance. Affected: no. Observed: 1 variant allele, 1 heterozygote.
Comment: PVS1, PM2, PP5

Women's Health and Genetics/Laboratory Corporation of America, LabCorp
Classification: Likely pathogenic for Joubert syndrome and related disorders. Last evaluated: 2022-10-03. Review status: criteria provided, single submitter. Criteria: LabCorp Variant Classification Summary - May 2015. Collection method: clinical testing. Allele origin: germline.
Comment: Variant summary: CPLANE1 c.3056_3059dupTGTG (p.Trp1020CysfsX6) results in a premature termination codon, predicted to cause a truncation of the encoded protein or absence of the protein due to nonsense mediated decay, which are commonly known mechanisms for disease. The variant allele was found at a frequency of 1.9e-05 in 156740 control chromosomes. To our knowledge, no occurrence of c.3056_3059dupTGTG in individuals affected with Joubert Syndrome or other CPLANE-1-related disorders and no experimental evidence demonstrating its impact on protein function have been reported. No clinical diagnostic laboratories have submitted clinical-significance assessments for this variant to ClinVar after 2014. Based on the evidence outlined above, the variant was classified as likely pathogenic.